The following is an entry in ClinVar:

NM_000138.5(FBN1):c.2539+17G>A

Gene: FBN1 (fibrillin 1; minus strand). Cytogenetic location: 15q21.1.
Variant type: single nucleotide variant.
Coding change: c.2539+17G>A on transcript NM_000138.5 (MANE Select); 17 bases into the intron after coding-DNA position 2539, G replaced by A.
Molecular consequence: intron variant.
Genome position (GRCh38, 1-based): chr15:48,495,452, C>T on the plus strand (G>A on the coding strand, the complement: FBN1 is on the minus strand). VCF-style: chr15-48495452-C-T. GRCh37 (hg19) VCF-style: chr15-48787649-C-T.
Other names: c.2539+17G>A (NM_001406716.1).
Identifiers: ClinVar variation 2953063 (VCV002953063.4), dbSNP rs559032183, ClinGen allele CA617837552.

ClinVar aggregate classification (germline): Likely benign. Review status: criteria provided, multiple submitters, no conflicts (2 of 4 stars). 2 submissions from 2 submitters: Likely benign (2). Last evaluated 2024-11-22.

Conditions:
Marfan syndrome (MFS). Also called: MARFAN SYNDROME, TYPE I; Marfan syndrome type 1; Marfan's syndrome; Marfan syndrome, classic; FBN1-Related Marfan Syndrome. Identifiers: Orphanet 284963, Orphanet 558, MedGen C0024796, MONDO:0007947, OMIM 154700.
Familial thoracic aortic aneurysm and aortic dissection (TAAD). Also called: Thoracic aortic aneurysms and dissections. Identifiers: Orphanet 91387, MedGen C4707243, MONDO:0019625.

gnomAD v4.1: 1 of 1,611,874 alleles (0.000062%); highest among the groups gnomAD compares: Non-Finnish European, 0.000085%; no homozygotes.

Submissions (2):

Women's Health and Genetics/Laboratory Corporation of America, LabCorp
Classification: Likely benign. Last evaluated: 2024-11-22. Review status: criteria provided, single submitter. Criteria: LabCorp Variant Classification Summary - May 2015. Collection method: clinical testing. Allele origin: germline.
Comment: Variant summary: FBN1 c.2539+17G>A alters a non-conserved nucleotide located at a position not widely known to affect splicing. Consensus agreement among computation tools predict no significant impact on normal splicing. However, these predictions have yet to be confirmed by functional studies. The variant was absent in 249094 control chromosomes. The available data on variant occurrences in the general population are insufficient to allow any conclusion about variant significance. To our knowledge, no occurrence of c.2539+17G>A in individuals affected with Marfan Syndrome and no experimental evidence demonstrating its impact on protein function have been reported. ClinVar contains an entry for this variant (Variation ID: 2953063). Based on the evidence outlined above, the variant was classified as likely benign.

Labcorp Genetics (formerly Invitae), Labcorp
Classification: Likely benign for Marfan syndrome; Familial thoracic aortic aneurysm and aortic dissection. Last evaluated: 2023-06-25. Review status: criteria provided, single submitter. Criteria: Invitae Variant Classification Sherloc (09022015). Collection method: clinical testing. Allele origin: germline.